The following is an entry in ClinVar:

ClinVar aggregate classification (germline): Uncertain significance (1 of 4 stars; one submission).

Conditions:
Cone-rod dystrophy 6 (CORD6). Also called: Cone dystrophy progressive; RETINAL CONE DYSTROPHY 2. Identifiers: Orphanet 1872, MedGen C1866293, MONDO:0011143, OMIM 601777.
Leber congenital amaurosis 1 (LCA1). Also called: Congenital absence of the rods and cones; Leber's congenital tapetoretinal degeneration; Leber's congenital tapetoretinal dysplasia; RETINAL BLINDNESS, CONGENITAL; AMAUROSIS CONGENITA OF LEBER I. Identifiers: Orphanet 65, MedGen C2931258, MONDO:0008764, OMIM 204000.

Allele frequency attached by ClinVar (database versions not stated): gnomAD 0.00001; gnomAD exomes 0.00001; TOPMed 0.00001; ExAC 0.00002.
gnomAD v4.1: 4 of 1,598,384 alleles (0.00025%); highest among the groups gnomAD compares: East Asian, 0.0045%; no homozygotes.

Submission:

Labcorp Genetics (formerly Invitae), Labcorp
Classification: Uncertain significance for Leber congenital amaurosis 1; Cone-rod dystrophy 6. Last evaluated: 2022-08-15. Review status: criteria provided, single submitter. Criteria: Invitae Variant Classification Sherloc (09022015). Collection method: clinical testing. Allele origin: germline.
Comment: This sequence change replaces arginine, which is basic and polar, with glutamine, which is neutral and polar, at codon 227 of the GUCY2D protein (p.Arg227Gln). The frequency data for this variant in the population databases is considered unreliable, as metrics indicate poor data quality at this position in the gnomAD database. This variant has not been reported in the literature in individuals affected with GUCY2D-related conditions. ClinVar contains an entry for this variant (Variation ID: 1521828). Algorithms developed to predict the effect of missense changes on protein structure and function are either unavailable or do not agree on the potential impact of this missense change (SIFT: "Deleterious"; PolyPhen-2: "Benign"; Align-GVGD: "Class C0"). In summary, the available evidence is currently insufficient to determine the role of this variant in disease. Therefore, it has been classified as a Variant of Uncertain Significance.

NM_000180.4(GUCY2D):c.680G>A (p.Arg227Gln)

Gene: GUCY2D (guanylate cyclase 2D, retinal; plus strand). Cytogenetic location: 17p13.1.
Variant type: single nucleotide variant.
Coding change: c.680G>A on transcript NM_000180.4 (MANE Select); coding-DNA position 680, G replaced by A.
Protein change: p.Arg227Gln; replaces arginine 227 with glutamine.
Molecular consequence: missense variant.
Genome position (GRCh38, 1-based): chr17:8,003,727, G>A. VCF-style: chr17-8003727-G-A. GRCh37 (hg19) VCF-style: chr17-7907045-G-A.
Other names: short protein forms R227Q.
Identifiers: ClinVar variation 1521828 (VCV001521828.3), dbSNP rs770873775, ClinGen allele CA8365533.